The following is an entry in ClinVar:

NM_001166108.2(PALLD):c.2818C>A (p.Gln940Lys)

Genes: CBR4 (carbonyl reductase 4; minus strand), PALLD (palladin, cytoskeletal associated protein; plus strand). Cytogenetic location: 4q32.3.
Variant type: single nucleotide variant.
Coding change: c.2818C>A on transcript NM_001166108.2 (MANE Select); coding-DNA position 2818, C replaced by A.
Protein change: p.Gln940Lys; replaces glutamine 940 with lysine.
Molecular consequence: missense variant.
Genome position (GRCh38, 1-based): chr4:168,915,995, C>A. VCF-style: chr4-168915995-C-A. GRCh37 (hg19) VCF-style: chr4-169837146-C-A.
Other names: c.1621C>A, p.Gln541Lys (NM_001166109.2); c.1306C>A, p.Gln436Lys (NM_001166110.2); c.646C>A, p.Gln216Lys (NM_001367567.1, NM_001367569.1); c.697C>A, p.Gln233Lys (NM_001367568.1, NM_001367570.1); c.2767C>A, p.Gln923Lys (NM_016081.4); short protein forms Q923K, Q436K, Q541K, Q940K, Q216K, Q233K.
Identifiers: ClinVar variation 3013308 (VCV003013308.3), dbSNP rs2534080110, ClinGen allele CA358706891.
Genomic context (GRCh38, chr4:168,915,995, plus strand): 5'-CCAATTCAGGAGCGATTCTTCAGACCTCACTTCTTGCAGGCTCCTGGAGATCTGACTGTT[C>A]AAGAAGGAAAACTCTGCAGAATGGACTGCAAAGTAAGATTTTGTTATTGCTTGCATATCC-3'
Protein context (NP_001159580.1, residues 930-950): FLQAPGDLTV[Gln940Lys]EGKLCRMDCK

ClinVar aggregate classification (germline): Uncertain significance (1 of 4 stars; one submission).

Conditions:
Pancreatic adenocarcinoma. Identifiers: MedGen C0281361, MONDO:0006047, HP:0006725.

Submission:

Labcorp Genetics (formerly Invitae), Labcorp
Classification: Uncertain significance for Pancreatic adenocarcinoma. Last evaluated: 2023-10-29. Review status: criteria provided, single submitter. Criteria: Invitae Variant Classification Sherloc (09022015). Collection method: clinical testing. Allele origin: germline.
Comment: This sequence change replaces glutamine, which is neutral and polar, with lysine, which is basic and polar, at codon 436 of the PALLD protein (p.Gln436Lys). This variant is not present in population databases (gnomAD no frequency). This variant has not been reported in the literature in individuals affected with PALLD-related conditions. An algorithm developed to predict the effect of missense changes on protein structure and function (PolyPhen-2) suggests that this variant is likely to be tolerated. In summary, the available evidence is currently insufficient to determine the role of this variant in disease. Therefore, it has been classified as a Variant of Uncertain Significance.